The following is an entry in ClinVar:

ClinVar aggregate classification (germline): Benign/Likely benign. Review status: criteria provided, multiple submitters, no conflicts (2 of 4 stars). 7 submissions from 7 submitters: Benign (5); Likely benign (2). Last evaluated 2026-05-09.

Conditions:
Holoprosencephaly 9 (HPE9). Also called: HOLOPROSENCEPHALY WITH MICROPHTHALMIA AND FIRST BRANCHIAL ARCH ANOMALIES; PITUITARY ANOMALIES WITH HOLOPROSENCEPHALY-LIKE FEATURES. Identifiers: Orphanet 2162, MedGen C1835819, MONDO:0012563, OMIM 610829.
Postaxial polydactyly-anterior pituitary anomalies-facial dysmorphism syndrome. Also called: Culler-Jones syndrome. Identifiers: Orphanet 420584, MedGen C4014479, MONDO:0014369, OMIM 615849.

Allele frequency attached by ClinVar (database versions not stated): ExAC 0.00342; 1000 Genomes Project 0.05092; gnomAD exomes 0.00561 and 0.00385; TOPMed 0.04744; 1000 Genomes Project 30x 0.05434; gnomAD 0.04405 and 0.04735.
gnomAD v4.1: 12,101 of 1,490,924 alleles (0.81%); highest among the groups gnomAD compares: African/African-American, 15%; 853 homozygotes.

Submissions (7):

Women's Health and Genetics/Laboratory Corporation of America, LabCorp
Classification: Benign. Last evaluated: 2026-05-09. Review status: criteria provided, single submitter. Criteria: LabCorp Variant Classification Summary - May 2015. Collection method: clinical testing. Allele origin: germline.

Labcorp Genetics (formerly Invitae), Labcorp
Classification: Benign for Postaxial polydactyly-anterior pituitary anomalies-facial dysmorphism syndrome; Holoprosencephaly 9. Last evaluated: 2026-02-01. Review status: criteria provided, single submitter. Criteria: Invitae Variant Classification Sherloc (09022015). Collection method: clinical testing. Allele origin: germline.

GeneDx
Classification: Benign. Last evaluated: 2018-10-11. Review status: criteria provided, single submitter. Criteria: GeneDx Variant Classification Process June 2021. Collection method: clinical testing. Allele origin: germline. Affected: yes.

Illumina Laboratory Services, Illumina
Classification: Likely benign for Holoprosencephaly 9. Last evaluated: 2017-04-27. Review status: criteria provided, single submitter. Criteria: ICSL Variant Classification Criteria 13 December 2019. Collection method: clinical testing. Allele origin: germline.
Comment: This variant was observed as part of a predisposition screen in an ostensibly healthy population. A literature search was performed for the gene, cDNA change, and amino acid change (where applicable). No publications were found based on this search. Allele frequency data from public databases allowed determination this variant is unlikely to cause disease. Therefore, this variant is classified as likely benign.

PreventionGenetics, part of Exact Sciences
Classification: Benign. Last evaluated: 2016-03-18. Review status: criteria provided, single submitter. Criteria: ACMG Guidelines, 2015. Collection method: clinical testing. Allele origin: germline.

Eurofins Ntd Llc (ga)
Classification: Benign. Last evaluated: 2015-01-27. Review status: criteria provided, single submitter. Criteria: EGL Classification Definitions 2015. Collection method: clinical testing. Allele origin: germline. Observed: 2 variant alleles, 2 heterozygotes.

Breakthrough Genomics
Classification: Likely benign. Review status: criteria provided, single submitter. Criteria: ACMG Guidelines, 2015. Collection method: not provided. Allele origin: germline. Inheritance: Autosomal dominant inheritance. Affected: yes.

NM_001374353.1(GLI2):c.2889C>T (p.Ser963=)

Gene: GLI2 (GLI family zinc finger 2; plus strand). Cytogenetic location: 2q14.2.
Variant type: single nucleotide variant.
Coding change: c.2889C>T on transcript NM_001374353.1 (MANE Select); coding-DNA position 2889, C replaced by T.
Protein change: p.Ser963=; no amino-acid change (serine 963 retained).
Molecular consequence: synonymous variant.
Genome position (GRCh38, 1-based): chr2:120,988,854, C>T. VCF-style: chr2-120988854-C-T. GRCh37 (hg19) VCF-style: chr2-121746430-C-T.
Other names: c.2940C>T, p.Ser980= (NM_001371271.1, NM_005270.5); c.2514C>T, p.Ser838= (NM_001374354.1).
Identifiers: ClinVar variation 194228 (VCV000194228.23), dbSNP rs146811565, ClinGen allele CA201049.